The following is an entry in ClinVar:

ClinVar aggregate classification (germline): Conflicting classifications of pathogenicity. Review status: criteria provided, conflicting classifications (1 of 4 stars). 3 submissions from 3 submitters: Uncertain significance (2); Likely benign (1). Last evaluated 2024-08-01.

Conditions:
Inborn genetic diseases. Identifiers: MedGen C0950123, MeSH D030342.

gnomAD v4.1: 6 of 1,613,874 alleles (0.00037%); highest among the groups gnomAD compares: Non-Finnish European, 0.00042%; no homozygotes.

Submissions (3):

CeGaT Center for Human Genetics Tuebingen
Classification: Uncertain significance. Last evaluated: 2024-08-01. Review status: criteria provided, single submitter. Criteria: CeGaT Center For Human Genetics Tuebingen Variant Classification Criteria Version 2. Collection method: clinical testing. Allele origin: germline. Affected: yes. Observed: 1 variant allele.
Comment: SLC39A14: PM2, BP4

Ambry Genetics
Classification: Likely benign for Inborn genetic diseases. Last evaluated: 2023-12-13. Review status: criteria provided, single submitter. Criteria: Ambry Variant Classification Scheme 2023. Collection method: clinical testing. Allele origin: germline.

Labcorp Genetics (formerly Invitae), Labcorp
Classification: Uncertain significance. Last evaluated: 2022-11-08. Review status: criteria provided, single submitter. Criteria: Invitae Variant Classification Sherloc (09022015). Collection method: clinical testing. Allele origin: germline.
Comment: This sequence change replaces glycine, which is neutral and non-polar, with serine, which is neutral and polar, at codon 20 of the SLC39A14 protein (p.Gly20Ser). This variant is not present in population databases (gnomAD no frequency). This variant has not been reported in the literature in individuals affected with SLC39A14-related conditions. ClinVar contains an entry for this variant (Variation ID: 1470060). Algorithms developed to predict the effect of missense changes on protein structure and function output the following: SIFT: "Tolerated"; PolyPhen-2: "Benign"; Align-GVGD: "Class C0". The serine amino acid residue is found in multiple mammalian species, which suggests that this missense change does not adversely affect protein function. In summary, the available evidence is currently insufficient to determine the role of this variant in disease. Therefore, it has been classified as a Variant of Uncertain Significance.

NM_001128431.4(SLC39A14):c.58G>A (p.Gly20Ser)

Gene: SLC39A14 (solute carrier family 39 member 14; plus strand). Cytogenetic location: 8p21.3.
Variant type: single nucleotide variant.
Coding change: c.58G>A on transcript NM_001128431.4 (MANE Select); coding-DNA position 58, G replaced by A.
Protein change: p.Gly20Ser; replaces glycine 20 with serine.
Molecular consequence: missense variant.
Genome position (GRCh38, 1-based): chr8:22,404,768, G>A. VCF-style: chr8-22404768-G-A. GRCh37 (hg19) VCF-style: chr8-22262281-G-A.
Other names: c.58G>A, p.Gly20Ser (NM_001135153.3, NM_001135154.3, NM_001351655.2 and 3 more transcripts); c.88G>A, p.Gly30Ser (NM_001351657.2, NM_001351658.2, NM_001351659.2); c.58G>A (NM_001135153.1); short protein forms G20S, G30S.
Identifiers: ClinVar variation 1470060 (VCV001470060.25), dbSNP rs183988980, ClinGen allele CA370521955.